The following is an entry in ClinVar:

NM_024422.6(DSC2):c.2694C>A (p.Cys898Ter)

Gene: DSC2 (desmocollin 2; minus strand). Cytogenetic location: 18q12.1.
Variant type: single nucleotide variant.
Coding change: c.2694C>A on transcript NM_024422.6 (MANE Select); coding-DNA position 2694, C replaced by A.
Protein change: p.Cys898Ter; replaces cysteine 898 with a stop codon.
Molecular consequence: nonsense. On other transcripts: 3 prime UTR variant (1).
Genome position (GRCh38, 1-based): chr18:31,068,027, G>T on the plus strand (C>A on the coding strand, the complement: DSC2 is on the minus strand). VCF-style: chr18-31068027-G-T. GRCh37 (hg19) VCF-style: chr18-28647993-G-T.
Other names: c.*196C>A (NM_004949.5); short protein forms C898*.
Identifiers: ClinVar variation 925175 (VCV000925175.9), dbSNP rs1986684188, ClinGen allele CA402109941.

ClinVar aggregate classification (germline): Uncertain significance. Review status: criteria provided, multiple submitters, no conflicts (2 of 4 stars). 3 submissions from 3 submitters: Uncertain significance (3). Last evaluated 2026-01-14.

Conditions:
Cardiomyopathy (CMYO). Also called: Cardiomyopathies. Identifiers: Orphanet 167848, MedGen C0878544, MONDO:0004994, HP:0001638. Inheritance: Various modes of inheritance.
Arrhythmogenic right ventricular dysplasia 11. Also called: Arrhythmogenic Right Ventricular Dysplasia/Cardiomyopathy11; Arrhythmogenic right ventricular dysplasia 11 with mild palmoplantar keratoderma and woolly hair; ARRHYTHMOGENIC RIGHT VENTRICULAR DYSPLASIA, FAMILIAL, 11. Identifiers: MedGen C1864850, MONDO:0012506, OMIM 610476.

Allele frequency attached by ClinVar (database versions not stated): TOPMed 0.00001; gnomAD 0.00001.

Submissions (3):

Dasa
Classification: Uncertain significance. Last evaluated: 2026-01-14. Review status: criteria provided, single submitter. Criteria: DASA Assertion Criteria. Collection method: clinical testing. Allele origin: germline.
Comment: NM_024422.6(DSC2):c.2694C>A (p.Cys898*) is a nonsense variant in DSC2 predicted to introduce a premature termination codon. This variant is rare in population databases. The currently available literature and clinical evidence are not sufficient to establish a definitive association between this variant and the reported condition. Therefore, this variant is classified as a variant of uncertain significance.

Labcorp Genetics (formerly Invitae), Labcorp
Classification: Uncertain significance for Arrhythmogenic right ventricular dysplasia 11. Last evaluated: 2022-04-12. Review status: criteria provided, single submitter. Criteria: Invitae Variant Classification Sherloc (09022015). Collection method: clinical testing. Allele origin: germline.
Comment: This sequence change creates a premature translational stop signal (p.Cys898*) in the DSC2 gene. While this is not anticipated to result in nonsense mediated decay, it is expected to disrupt the last 4 amino acid(s) of the DSC2 protein. This variant is not present in population databases (gnomAD no frequency). This variant has not been reported in the literature in individuals affected with DSC2-related conditions. ClinVar contains an entry for this variant (Variation ID: 925175). Experimental studies and prediction algorithms are not available or were not evaluated, and the functional significance of this variant is currently unknown. In summary, the available evidence is currently insufficient to determine the role of this variant in disease. Therefore, it has been classified as a Variant of Uncertain Significance.

Color Diagnostics, LLC DBA Color Health
Classification: Uncertain significance for Cardiomyopathy. Last evaluated: 2018-11-20. Review status: criteria provided, single submitter. Criteria: ACMG Guidelines, 2015. Collection method: clinical testing. Allele origin: germline.
Comment: Variant of Uncertain Significance due to insufficient evidence: This variant changes 1 nucleotide in the last exon 16 of the DSC2 gene, creating a premature translation stop signal. This variant is expected to result in a protein product missing the last 4 amino acids of the protein. To our knowledge, functional assays have not been performed for this variant nor has this variant been reported in individuals affected with cardiovascular disorders in the literature. This variant is rare in the general population and has been identified in 0/277264 chromosomes by the Genome Aggregation Database (gnomAD). Available evidence is insufficient to determine the pathogenicity of this variant conclusively.